The following is an entry in ClinVar:

NM_002109.6(HARS1):c.493C>T (p.Arg165Cys)

Gene: HARS1 (histidyl-tRNA synthetase 1; minus strand). Cytogenetic location: 5q31.3.
Variant type: single nucleotide variant.
Coding change: c.493C>T on transcript NM_002109.6 (MANE Select); coding-DNA position 493, C replaced by T.
Protein change: p.Arg165Cys; replaces arginine 165 with cysteine.
Molecular consequence: missense variant. On other transcripts: intron variant (4).
Genome position (GRCh38, 1-based): chr5:140,679,031, G>A on the plus strand (C>T on the coding strand, the complement: HARS1 is on the minus strand). VCF-style: chr5-140679031-G-A. GRCh37 (hg19) VCF-style: chr5-140058616-G-A.
Other names: c.373C>T, p.Arg125Cys (NM_001258040.3); c.406C>T, p.Arg136Cys (NM_001289094.2); c.181-1016C>T (NM_001289093.2); c.342+31C>T (NM_001258042.3); c.301-1016C>T (NM_001289092.2); c.462+31C>T (NM_001258041.3); short protein forms R125C, R136C, R165C.
Identifiers: ClinVar variation 1680343 (VCV001680343.8), dbSNP rs760132903, ClinGen allele CA3444099.

ClinVar aggregate classification (germline): Uncertain significance (1 of 4 stars; one submission).

Conditions:
Usher syndrome type 3B. Also called: USHER SYNDROME, TYPE IIIB. Identifiers: MedGen C3281066, MONDO:0013788, OMIM 614504.

Allele frequency attached by ClinVar (database versions not stated): ExAC 0.00001; gnomAD 0.00001; gnomAD exomes 0.00001.
gnomAD v4.1: 12 of 1,613,918 alleles (0.00074%); highest among the groups gnomAD compares: South Asian, 0.0011%; no homozygotes.

Submission:

Labcorp Genetics (formerly Invitae), Labcorp
Classification: Uncertain significance for Usher syndrome type 3B. Last evaluated: 2025-05-27. Review status: criteria provided, single submitter. Criteria: Invitae Variant Classification Sherloc (09022015). Collection method: clinical testing. Allele origin: germline.
Comment: This sequence change replaces arginine, which is basic and polar, with cysteine, which is neutral and slightly polar, at codon 165 of the HARS protein (p.Arg165Cys). This variant is present in population databases (rs760132903, gnomAD 0.002%). This variant has not been reported in the literature in individuals affected with HARS-related conditions. ClinVar contains an entry for this variant (Variation ID: 1680343). Invitae Evidence Modeling of protein sequence and biophysical properties (such as structural, functional, and spatial information, amino acid conservation, physicochemical variation, residue mobility, and thermodynamic stability) indicates that this missense variant is not expected to disrupt HARS protein function with a negative predictive value of 80%. In summary, the available evidence is currently insufficient to determine the role of this variant in disease. Therefore, it has been classified as a Variant of Uncertain Significance.